The following is an entry in ClinVar:

NM_000548.5(TSC2):c.4350C>G (p.Pro1450=)

Gene: TSC2 (TSC complex subunit 2; plus strand). Cytogenetic location: 16p13.3.
Variant type: single nucleotide variant.
Coding change: c.4350C>G on transcript NM_000548.5 (MANE Select); coding-DNA position 4350, C replaced by G.
Protein change: p.Pro1450=; no amino-acid change (proline 1450 retained).
Molecular consequence: synonymous variant. On other transcripts: non-coding transcript variant (5).
Genome position (GRCh38, 1-based): chr16:2,084,572, C>G. VCF-style: chr16-2084572-C-G. GRCh37 (hg19) VCF-style: chr16-2134573-C-G.
Other names: c.4149C>G, p.Pro1383= (NM_001077183.3); c.4281C>G, p.Pro1427= (NM_001114382.3); c.4041C>G, p.Pro1347= (NM_001318827.2); c.4005C>G, p.Pro1335= (NM_001318829.2); c.3618C>G, p.Pro1206= (NM_001318831.2); c.4182C>G, p.Pro1394= (NM_001318832.2); c.4152C>G, p.Pro1384= (NM_001363528.2); c.4218C>G, p.Pro1406= (NM_001370404.1); and 26 more.
Identifiers: ClinVar variation 3071177 (VCV003071177.1), dbSNP rs767996683, ClinGen allele CA493043476.

ClinVar aggregate classification (germline): Likely benign (1 of 4 stars; one submission).

Conditions:
Tuberous sclerosis syndrome (TSC). Also called: Tuberous Sclerosis Complex; Tuberous sclerosis. Identifiers: Orphanet 805, MedGen C0041341, MONDO:0001734.

gnomAD v4.1: 1 of 1,607,654 alleles (0.000062%); highest among the groups gnomAD compares: Non-Finnish European, 0.000085%; no homozygotes.

Submission:

All of Us Research Program, National Institutes of Health
Classification: Likely benign for Tuberous sclerosis syndrome. Last evaluated: 2023-10-02. Review status: criteria provided, single submitter. Criteria: ACMG Guidelines, 2015. Collection method: clinical testing. Allele origin: germline. Inheritance: Autosomal dominant inheritance. Observed: 2 variant alleles, 2 heterozygotes.
Comment: This study involves interpretation of variants in research participants for the purpose of population health screening. Participant phenotype was not available at the time of variant classification. Additional details can be found in publication PMID: 35346344, PMCID: PMC8962531